The following is an entry in ClinVar:

NM_003803.4(MYOM1):c.3864+3A>C

Gene: MYOM1 (myomesin 1; minus strand). Cytogenetic location: 18p11.31.
Variant type: single nucleotide variant.
Coding change: c.3864+3A>C on transcript NM_003803.4 (MANE Select); 3 bases into the intron after coding-DNA position 3864, A replaced by C.
Molecular consequence: intron variant.
Genome position (GRCh38, 1-based): chr18:3,094,167, T>G on the plus strand (A>C on the coding strand, the complement: MYOM1 is on the minus strand). VCF-style: chr18-3094167-T-G. GRCh37 (hg19) VCF-style: chr18-3094165-T-G.
Other names: c.3576+3A>C (NM_019856.2).
Identifiers: ClinVar variation 1059349 (VCV001059349.7), dbSNP rs766295696, ClinGen allele CA8874147.

ClinVar aggregate classification (germline): Uncertain significance (1 of 4 stars; one submission).

Conditions:
Hypertrophic cardiomyopathy. Also called: HYPERTROPHIC MYOCARDIOPATHY. Identifiers: Orphanet 217569, MedGen C0007194, MeSH D002312, MONDO:0005045, HP:0001639.

Allele frequency attached by ClinVar (database versions not stated): TOPMed 0.00002; ExAC 0.00001.
gnomAD v4.1: 8 of 1,613,864 alleles (0.0005%); highest among the groups gnomAD compares: Admixed American, 0.005%; no homozygotes.

Submission:

Labcorp Genetics (formerly Invitae), Labcorp
Classification: Uncertain significance for Hypertrophic cardiomyopathy. Last evaluated: 2026-01-05. Review status: criteria provided, single submitter. Criteria: Invitae Variant Classification Sherloc (09022015). Collection method: clinical testing. Allele origin: germline.
Comment: This sequence change falls in intron 26 of the MYOM1 gene. It does not directly change the encoded amino acid sequence of the MYOM1 protein. It affects a nucleotide within the consensus splice site. This variant is present in population databases (rs766295696, gnomAD 0.006%). This variant has not been reported in the literature in individuals affected with MYOM1-related conditions. ClinVar contains an entry for this variant (Variation ID: 1059349). Variants that disrupt the consensus splice site are a relatively common cause of aberrant splicing (PMID: 17576681, 9536098). Algorithms developed to predict the effect of sequence changes on RNA splicing suggest that this variant may disrupt the consensus splice site. In summary, the available evidence is currently insufficient to determine the role of this variant in disease. Therefore, it has been classified as a Variant of Uncertain Significance.

Literature cited by the submitters: PubMed 17576681; PubMed 9536098.